The following is an entry in ClinVar:

ClinVar aggregate classification (germline): Uncertain significance (1 of 4 stars; one submission).

Conditions:
Inborn genetic diseases. Identifiers: MedGen C0950123, MeSH D030342.

gnomAD v4.1: 1 of 1,612,016 alleles (0.000062%); highest among the groups gnomAD compares: Non-Finnish European, 0.000085%; no homozygotes.

Submission:

Ambry Genetics
Classification: Uncertain significance for Inborn genetic diseases. Last evaluated: 2025-10-13. Review status: criteria provided, single submitter. Criteria: Ambry Variant Classification Scheme 2023. Collection method: clinical testing. Allele origin: germline.
Comment: The p.P284S variant (also known as c.850C>T), located in coding exon 5 of the RECQL4 gene, results from a C to T substitution at nucleotide position 850. The proline at codon 284 is replaced by serine, an amino acid with similar properties. This amino acid position is conserved. In addition, this alteration is predicted to be tolerated by in silico analysis. Based on the available evidence, the clinical significance of this variant remains unclear.

NM_004260.4(RECQL4):c.850C>T (p.Pro284Ser)

Gene: RECQL4 (RecQ like helicase 4; minus strand). Cytogenetic location: 8q24.3.
Variant type: single nucleotide variant.
Coding change: c.850C>T on transcript NM_004260.4 (MANE Select); coding-DNA position 850, C replaced by T.
Protein change: p.Pro284Ser; replaces proline 284 with serine.
Molecular consequence: missense variant. On other transcripts: 5 prime UTR variant (17), non-coding transcript variant (3).
Genome position (GRCh38, 1-based): chr8:144,516,269, G>A on the plus strand (C>T on the coding strand, the complement: RECQL4 is on the minus strand). VCF-style: chr8-144516269-G-A. GRCh37 (hg19) VCF-style: chr8-145741653-G-A.
Other names: c.-222C>T (NM_001413021.1, NM_001413022.1, NM_001413023.1 and 7 more transcripts); c.721C>T, p.Pro241Ser (NM_001413025.1); c.-284C>T (NM_001413027.1, NM_001413030.1, NM_001413031.1 and 2 more transcripts); c.499C>T, p.Pro167Ser (NM_001413029.1); c.850C>T, p.Pro284Ser (NM_001413017.1, NM_001413018.1, NM_001413019.1 and 4 more transcripts); c.-126C>T (NM_001413034.1); c.-491C>T (NM_001413043.1); short protein forms P241S, P167S, P284S.
Identifiers: ClinVar variation 4628951 (VCV004628951.1).